The following is an entry in ClinVar:

NM_006767.4(LZTR1):c.841C>T (p.Pro281Ser)

Gene: LZTR1 (leucine zipper like post translational regulator 1; plus strand). Cytogenetic location: 22q11.21.
Variant type: single nucleotide variant.
Coding change: c.841C>T on transcript NM_006767.4 (MANE Select); coding-DNA position 841, C replaced by T.
Protein change: p.Pro281Ser; replaces proline 281 with serine.
Molecular consequence: missense variant.
Genome position (GRCh38, 1-based): chr22:20,991,677, C>T. VCF-style: chr22-20991677-C-T. GRCh37 (hg19) VCF-style: chr22-21345966-C-T.
Other names: short protein forms P281S.
Identifiers: ClinVar variation 4859344 (VCV004859344.1).

ClinVar aggregate classification (germline): Uncertain significance (1 of 4 stars; one submission).

Conditions:
Cardiovascular phenotype. Identifiers: MedGen CN230736.
Hereditary cancer-predisposing syndrome. Also called: Neoplastic Syndromes, Hereditary; Tumor predisposition; Hereditary Cancer Syndrome; Hereditary neoplastic syndrome. Identifiers: Orphanet 140162, MedGen C0027672, MeSH D009386, MONDO:0015356.

Submission:

Ambry Genetics
Classification: Uncertain significance for Cardiovascular phenotype; Hereditary cancer-predisposing syndrome. Last evaluated: 2026-04-01. Review status: criteria provided, single submitter. Criteria: Ambry Variant Classification Scheme 2023. Collection method: clinical testing. Allele origin: germline.
Comment: The p.P281S variant (also known as c.841C>T), located in coding exon 9 of the LZTR1 gene, results from a C to T substitution at nucleotide position 841. The proline at codon 281 is replaced by serine, an amino acid with similar properties. This amino acid position is highly conserved in available vertebrate species. In addition, the in silico prediction for this alteration is inconclusive. Based on the available evidence, the clinical significance of this variant remains unclear.